The following is an entry in ClinVar:

NM_004525.3(LRP2):c.9069C>T (p.Asp3023=)

Gene: LRP2 (LDL receptor related protein 2; minus strand). Cytogenetic location: 2q31.1.
Variant type: single nucleotide variant.
Coding change: c.9069C>T on transcript NM_004525.3 (MANE Select); coding-DNA position 9069, C replaced by T.
Protein change: p.Asp3023=; no amino-acid change (aspartic acid 3023 retained).
Molecular consequence: synonymous variant.
Genome position (GRCh38, 1-based): chr2:169,188,229, G>A on the plus strand (C>T on the coding strand, the complement: LRP2 is on the minus strand). VCF-style: chr2-169188229-G-A. GRCh37 (hg19) VCF-style: chr2-170044739-G-A.
Identifiers: ClinVar variation 740987 (VCV000740987.19), dbSNP rs148612649, ClinGen allele CA1953670.

ClinVar aggregate classification (germline): Likely benign. Review status: criteria provided, multiple submitters, no conflicts (2 of 4 stars). 4 submissions from 4 submitters: Likely benign (4). Last evaluated 2025-12-16.

Conditions:
Donnai-Barrow syndrome. Also called: DBS/FOAR SYNDROME; FACIOOCULOACOUSTICORENAL SYNDROME. Identifiers: Orphanet 2143, MedGen C1857277, MONDO:0009104, OMIM 222448.

Allele frequency attached by ClinVar (database versions not stated): 1000 Genomes Project 30x 0.00016; 1000 Genomes Project 0.00020; ESP Exome Variant Server 0.00023; gnomAD 0.00034; TOPMed 0.00041.
gnomAD v4.1: 126 of 1,614,030 alleles (0.0078%); highest among the groups gnomAD compares: African/African-American, 0.11%; no homozygotes.

Submissions (4):

Labcorp Genetics (formerly Invitae), Labcorp
Classification: Likely benign. Last evaluated: 2025-12-16. Review status: criteria provided, single submitter. Criteria: Invitae Variant Classification Sherloc (09022015). Collection method: clinical testing. Allele origin: germline.

CeGaT Center for Human Genetics Tuebingen
Classification: Likely benign. Last evaluated: 2025-07-01. Review status: criteria provided, single submitter. Criteria: CeGaT Center For Human Genetics Tuebingen Variant Classification Criteria Version 2. Collection method: clinical testing. Allele origin: germline. Affected: yes. Observed: 1 variant allele.
Comment: LRP2: BP4, BP7

Blueprint Genetics
Classification: Likely benign. Last evaluated: 2023-11-23. Review status: criteria provided, single submitter. Criteria: ACMG Guidelines, 2015. Collection method: clinical testing. Allele origin: germline.

Fulgent Genetics
Classification: Likely benign for Donnai-Barrow syndrome. Last evaluated: 2021-11-17. Review status: criteria provided, single submitter. Criteria: ACMG Guidelines, 2015. Collection method: clinical testing. Allele origin: unknown.